The following is an entry in ClinVar:

NM_001570.4(IRAK2):c.1174C>G (p.Leu392Val)

Gene: IRAK2 (interleukin 1 receptor associated kinase 2; plus strand). Cytogenetic location: 3p25.3.
Variant type: single nucleotide variant.
Coding change: c.1174C>G on transcript NM_001570.4 (MANE Select); coding-DNA position 1174, C replaced by G.
Protein change: p.Leu392Val; replaces leucine 392 with valine.
Molecular consequence: missense variant.
Genome position (GRCh38, 1-based): chr3:10,222,796, C>G. VCF-style: chr3-10222796-C-G. GRCh37 (hg19) VCF-style: chr3-10264480-C-G.
Other names: NC_000003.11:g.10264480C>G; short protein forms L392V.
Identifiers: ClinVar variation 1232409 (VCV001232409.5), dbSNP rs3844283, ClinGen allele CA2251404.

ClinVar aggregate classification (germline): Benign. Review status: criteria provided, multiple submitters, no conflicts (2 of 4 stars). 2 submissions from 2 submitters: Benign (2). Last evaluated 2020-02-18.

Allele frequency attached by ClinVar (database versions not stated): 1000 Genomes Project 0.28814; gnomAD 0.34947 and 0.34699; TOPMed 0.34967; gnomAD exomes 0.40197 and 0.36785; ExAC 0.36119; 1000 Genomes Project 30x 0.29076; ESP Exome Variant Server 0.35607.
gnomAD v4.1: 638,895 of 1,613,594 alleles (40%); highest among the groups gnomAD compares: Admixed American, 46%; 131,008 homozygotes.

Submissions (11):

GeneDx
Classification: Benign. Last evaluated: 2020-02-18. Review status: criteria provided, single submitter. Criteria: GeneDx Variant Classification Process June 2021. Collection method: clinical testing. Allele origin: germline. Affected: yes.
Comment: This variant is associated with the following publications: (PMID: 26250868)

Breakthrough Genomics
Classification: Benign. Review status: criteria provided, single submitter. Criteria: ACMG Guidelines, 2015. Collection method: not provided. Allele origin: germline. Inheritance: Unknown mechanism. Affected: yes.

Dr. Peter K. Rogan Lab, Western University
No classification provided (evidence only). Condition: Hepatocellular carcinoma. Review status: no classification provided. Collection method: in vitro. Allele origin: not applicable. Functional consequence: retained intron. Not counted in ClinVar's aggregate classification.

Dr. Peter K. Rogan Lab, Western University
No classification provided (evidence only). Condition: Hepatocellular carcinoma. Review status: no classification provided. Collection method: in vitro. Allele origin: not applicable. Functional consequence: retained intron. Not counted in ClinVar's aggregate classification.

Dr. Peter K. Rogan Lab, Western University
No classification provided (evidence only). Condition: Hepatocellular carcinoma. Review status: no classification provided. Collection method: in vitro. Allele origin: not applicable. Functional consequence: retained intron. Not counted in ClinVar's aggregate classification.

Dr. Peter K. Rogan Lab, Western University
No classification provided (evidence only). Condition: Hepatocellular carcinoma. Review status: no classification provided. Collection method: in vitro. Allele origin: not applicable. Functional consequence: retained intron. Not counted in ClinVar's aggregate classification.

Dr. Peter K. Rogan Lab, Western University
No classification provided (evidence only). Condition: Hepatocellular carcinoma. Review status: no classification provided. Collection method: in vitro. Allele origin: not applicable. Functional consequence: retained intron. Not counted in ClinVar's aggregate classification.

Dr. Peter K. Rogan Lab, Western University
No classification provided (evidence only). Condition: Hepatocellular carcinoma. Review status: no classification provided. Collection method: in vitro. Allele origin: not applicable. Functional consequence: retained intron. Not counted in ClinVar's aggregate classification.

Dr. Peter K. Rogan Lab, Western University
No classification provided (evidence only). Condition: Hepatocellular carcinoma. Review status: no classification provided. Collection method: in vitro. Allele origin: not applicable. Functional consequence: retained intron. Not counted in ClinVar's aggregate classification.

Dr. Peter K. Rogan Lab, Western University
No classification provided (evidence only). Condition: Hepatocellular carcinoma. Review status: no classification provided. Collection method: in vitro. Allele origin: not applicable. Functional consequence: cryptic splice site, retained intron. Not counted in ClinVar's aggregate classification.

Dr. Peter K. Rogan Lab, Western University
No classification provided (evidence only). Condition: Hepatocellular carcinoma. Review status: no classification provided. Collection method: in vitro. Allele origin: not applicable. Functional consequence: retained intron. Not counted in ClinVar's aggregate classification.